The following is an entry in ClinVar:

NM_031407.7(HUWE1):c.3807G>A (p.Met1269Ile)

Genes: HUWE1 (HECT, UBA and WWE domain containing E3 ubiquitin protein ligase 1; minus strand), LOC126863263 (BRD4-independent group 4 enhancer GRCh37_chrX:53619238-53620437; plus strand). Cytogenetic location: Xp11.22.
Variant type: single nucleotide variant.
Coding change: c.3807G>A on transcript NM_031407.7 (MANE Select); coding-DNA position 3807, G replaced by A.
Protein change: p.Met1269Ile; replaces methionine 1269 with isoleucine.
Molecular consequence: missense variant.
Genome position (GRCh38, 1-based): chrX:53,592,563, C>T on the plus strand (G>A on the coding strand, the complement: HUWE1 is on the minus strand). VCF-style: chrX-53592563-C-T. GRCh37 (hg19) VCF-style: chrX-53619523-C-T.
Other names: short protein forms M1269I.
Identifiers: ClinVar variation 2500627 (VCV002500627.1), dbSNP rs782558324, ClinGen allele CA413177817.
Genomic context (GRCh38, chrX:53,592,563, plus strand): 5'-CTCTCGAATCACAGGTTCTCCTCGGAGGATGTGGCATAGAATGGCCAGCATCGATTCAGC[C>T]ATTCGTCCACCATATACCTTCAGGGGTTTCCGGTTCCATAAGTTTTTGATGCAAGTAAAG-3'
Protein context (NP_113584.3, residues 1259-1279): RKPLKVYGGR[Met1269Ile]AESMLAILCH

ClinVar aggregate classification (germline): Uncertain significance (1 of 4 stars; one submission).

Allele frequency attached by ClinVar (database versions not stated): gnomAD exomes below 0.00001.

Submission:

GeneDx
Classification: Uncertain significance. Last evaluated: 2022-10-21. Review status: criteria provided, single submitter. Criteria: GeneDx Variant Classification Process June 2021. Collection method: clinical testing. Allele origin: germline. Affected: yes.
Comment: In silico analysis supports that this missense variant has a deleterious effect on protein structure/function; Has not been previously published as pathogenic or benign to our knowledge